The following is an entry in ClinVar:

ClinVar aggregate classification (germline): Uncertain significance (1 of 4 stars; one submission).

Allele frequency attached by ClinVar (database versions not stated): gnomAD exomes below 0.00001; TOPMed below 0.00001; ExAC 0.00001; gnomAD 0.00002.
gnomAD v4.1: 5 of 1,614,040 alleles (0.00031%); highest among the groups gnomAD compares: East Asian, 0.0022%; no homozygotes.

Submission:

Labcorp Genetics (formerly Invitae), Labcorp
Classification: Uncertain significance. Last evaluated: 2023-05-11. Review status: criteria provided, single submitter. Criteria: Invitae Variant Classification Sherloc (09022015). Collection method: clinical testing. Allele origin: germline.
Comment: In summary, the available evidence is currently insufficient to determine the role of this variant in disease. Therefore, it has been classified as a Variant of Uncertain Significance. Advanced modeling of protein sequence and biophysical properties (such as structural, functional, and spatial information, amino acid conservation, physicochemical variation, residue mobility, and thermodynamic stability) performed at Invitae indicates that this missense variant is not expected to disrupt MYH3 protein function. This variant has not been reported in the literature in individuals affected with MYH3-related conditions. This variant is present in population databases (rs770477653, gnomAD 0.002%). This sequence change replaces serine, which is neutral and polar, with tyrosine, which is neutral and polar, at codon 1020 of the MYH3 protein (p.Ser1020Tyr).

NM_002470.4(MYH3):c.3059C>A (p.Ser1020Tyr)

Gene: MYH3 (myosin heavy chain 3; minus strand). Cytogenetic location: 17p13.1.
Variant type: single nucleotide variant.
Coding change: c.3059C>A on transcript NM_002470.4 (MANE Select); coding-DNA position 3059, C replaced by A.
Protein change: p.Ser1020Tyr; replaces serine 1020 with tyrosine.
Molecular consequence: missense variant.
Genome position (GRCh38, 1-based): chr17:10,639,341, G>T on the plus strand (C>A on the coding strand, the complement: MYH3 is on the minus strand). VCF-style: chr17-10639341-G-T. GRCh37 (hg19) VCF-style: chr17-10542658-G-T.
Other names: short protein forms S1020Y.
Identifiers: ClinVar variation 2726932 (VCV002726932.3), dbSNP rs770477653, ClinGen allele CA8392629.